The following is an entry in ClinVar:

NM_001290321.3(DMXL1):c.4277C>G (p.Ser1426Cys)

Gene: DMXL1 (Dmx like 1; plus strand). Cytogenetic location: 5q23.1.
Variant type: single nucleotide variant.
Coding change: c.4277C>G on transcript NM_001290321.3 (MANE Select); coding-DNA position 4277, C replaced by G.
Protein change: p.Ser1426Cys; replaces serine 1426 with cysteine.
Molecular consequence: missense variant. On other transcripts: non-coding transcript variant (3).
Genome position (GRCh38, 1-based): chr5:119,150,104, C>G. VCF-style: chr5-119150104-C-G. GRCh37 (hg19) VCF-style: chr5-118485799-C-G.
Other names: c.4277C>G, p.Ser1426Cys (NM_001349239.2, NM_001349240.2, NM_001387933.1 and 2 more transcripts); c.3572C>G, p.Ser1191Cys (NM_001387937.1); c.3290C>G, p.Ser1097Cys (NM_001387938.1); short protein forms S1097C, S1191C, S1426C.
Identifiers: ClinVar variation 2628934 (VCV002628934.1), dbSNP rs993611912, ClinGen allele CA125879253.
Genomic context (GRCh38, chr5:119,150,104, plus strand): 5'-TTCCTTTATATGCCTTACTTGCAGCAGATGATGATAGCTGTTACTCATCTTTGGAGAAAT[C>G]TAGTAATGAGAGTACGTTAAGTAAATCAAACCAATTATCTAAAGAAAGTTATGATGAGCT-3'
Protein context (NP_001277250.1, residues 1416-1436): DDSCYSSLEK[Ser1426Cys]SNESTLSKSN

ClinVar aggregate classification (germline): Uncertain significance (1 of 4 stars; one submission).

Conditions:
DMXL1-related disorder. Also called: DMXL1-related condition.

Allele frequency attached by ClinVar (database versions not stated): gnomAD 0.00001; gnomAD exomes 0.00001; TOPMed 0.00003.
gnomAD v4.1: 13 of 1,613,588 alleles (0.00081%); highest among the groups gnomAD compares: African/African-American, 0.0013%; 1 homozygote.

Submission:

PreventionGenetics, part of Exact Sciences
Classification: Uncertain significance for DMXL1-related condition. Last evaluated: 2023-07-10. Review status: criteria provided, single submitter. Criteria: ACMG Guidelines, 2015. Collection method: clinical testing. Allele origin: germline.
Comment: The DMXL1 c.4277C>G variant is predicted to result in the amino acid substitution p.Ser1426Cys. To our knowledge, this variant has not been reported in the literature or in a large population database, indicating this variant is rare. At this time, the clinical significance of this variant is uncertain due to the absence of conclusive functional and genetic evidence.